The following is an entry in ClinVar:

NM_000552.5(VWF):c.4885G>A (p.Gly1629Arg)

Gene: VWF (von Willebrand factor; minus strand). Cytogenetic location: 12p13.31.
Variant type: single nucleotide variant.
Coding change: c.4885G>A on transcript NM_000552.5 (MANE Select); coding-DNA position 4885, G replaced by A.
Protein change: p.Gly1629Arg; replaces glycine 1629 with arginine.
Molecular consequence: missense variant.
Genome position (GRCh38, 1-based): chr12:6,018,533, C>T on the plus strand (G>A on the coding strand, the complement: VWF is on the minus strand). VCF-style: chr12-6018533-C-T. GRCh37 (hg19) VCF-style: chr12-6127699-C-T.
Other names: NM_000552.5(VWF):c.4885G>A; p.Gly1629Arg; short protein forms G1629R.
Identifiers: ClinVar variation 100398 (VCV000100398.2), dbSNP rs61750585, ClinGen allele CA228671.

ClinVar aggregate classification (germline): Pathogenic. Review status: reviewed by expert panel (3 of 4 stars). 2 submissions from 2 submitters: Pathogenic (1). 1 of the submissions does not count toward it. Last evaluated 2025-05-06.

Conditions:
Von Willebrand disease type 2A. Identifiers: Orphanet 166084, MedGen C1282968, MONDO:0015628. Inheritance: Autosomal recessive or autosomal dominant.

Submissions (2):

ClinGen von Willebrand Disease Variant Curation Expert Panel, ClinGen
Classification: Pathogenic for Von Willebrand disease type 2A. Last evaluated: 2025-05-06. Review status: reviewed by expert panel. Criteria: ClinGen VWD 2A B M Rules. Collection method: curation. Allele origin: germline. Inheritance: Autosomal dominant inheritance.
Comment: The NM_000552.5(VWF):c.4885G>C (p.Gly1629Arg) missense variant is absent from gnomAD v4.1 (PM2_Supporting). The computational predictor REVEL gives a score of 0.796, which is above the ClinGen VWD VCEP threshold of >0.644 and predicts a damaging effect on VWF function (PP3). The same amino acid change (p.Gly1629Arg), resulting from a different nucleotide change c.4885G>C, is classified as likely pathogenic by the ClinGen VWD VCEP (PS1_moderate). At least one patient with this variant displayed excessive mucocutaneous bleeding as well as laboratory phenotypes of very low VWF activity (VWF:RCo 4 IU/dl ), low activity/VWF:Ag ratio (0.13), and loss of high molecular weight multimers, which together are highly specific for VWD type 2A. (PP4_moderate, PMID: 30044032). Additional consistent phenotypes were also reported in the patient including FVIII activity consistent with VWF antigen and a reduced RIPA. In PMID: 10203106 The variant segregated in four type 2A vWD patients from a Spanish family who bled excessively and all showed a lack of HMW multimers and had a low RIPA (PP1). In PMID: 29186156, G1629R rVWF was expressed from HEK293 cells concentrated, quantified by ELISA and multimeric structure analyzed by gel electrophoresis displayed a full range of VWF multimers. With ADAMTS13 incubation there was partial proteolysis with loss of only higher MW multimers compared to minimal evidence of ADAMTS13 proteolysis for WT. In summary, this variant meets the criteria to be classified as pathogenic for autosomal dominant VWD type 2A based on the ACMG/AMP criteria applied, as specified by the ClinGen VWD VCEP: PP4_Moderate, PP1, PM2_Supporting, PP3, PS1_Moderate, PS3_Supporting. (ClinGen von Willebrand Disease Expert Panel Specifications to the ACMG/AMP Variant Interpretation Guidelines for VWF Version 1.0.0)

Academic Unit of Haematology, University of Sheffield
No classification provided. Review status: no classification provided. Collection method: not provided. Allele origin: not provided. Not counted in ClinVar's aggregate classification.

Literature cited by the submitters: PubMed 29186156 (cited by ClinGen von Willebrand Disease Variant Curation Expert Panel, ClinGen).